The following is an entry in ClinVar:

ClinVar aggregate classification (germline): Likely pathogenic (1 of 4 stars; one submission).

Submission:

GeneDx
Classification: Likely pathogenic. Last evaluated: 2017-10-04. Review status: criteria provided, single submitter. Criteria: GeneDx Variant Classification (06012015). Collection method: clinical testing. Allele origin: germline. Affected: yes.
Comment: The c.595delG variant in the MARVELD2 gene has not been reported previously as a pathogenic variant nor as a benign variant, to our knowledge. The c.595delG variant causes a frameshift starting with codon Valine 199, changes this amino acid to a Tryptophan residue, and creates a premature Stop codon at position 64 of the new reading frame, denoted p.Val199TrpfsX64. This variant is predicted to cause loss of normal protein function either through protein truncation or nonsense-mediated mRNA decay. The c.595delG variant is not observed in large population cohorts (Lek et al., 2016). We interpret c.595delG as a likely pathogenic variant.

NM_001038603.3(MARVELD2):c.595del (p.Val199fs)

Gene: MARVELD2 (MARVEL domain containing 2; plus strand). Cytogenetic location: 5q13.2.
Variant type: Deletion.
Coding change: c.595del on transcript NM_001038603.3 (MANE Select); coding-DNA position 595, one base deleted (G; older notation c.595delG).
Protein change: p.Val199fs; shifts the reading frame from valine 199.
Molecular consequence: frameshift variant.
Genome position (GRCh38, 1-based): chr5:69,419,980, G deleted; the last of 2 consecutive G bases (chr5:69,419,979-69,419,980); deleting either gives the same sequence. VCF-style (leftmost placement, unchanged base first): chr5-69419978-TG-T. GRCh37 (hg19) VCF-style: chr5-68715805-TG-T.
Other names: c.595del, p.Val199fs (NM_001244734.2); short protein forms V199fs.
Identifiers: ClinVar variation 452485 (VCV000452485.2), dbSNP rs1554046316, ClinGen allele CA658657448.